The following is an entry in ClinVar:

NM_001393704.1(MOBP):c.250C>T (p.Pro84Ser)

Gene: MOBP (myelin associated oligodendrocyte basic protein; plus strand). Cytogenetic location: 3p22.1.
Variant type: single nucleotide variant.
Coding change: c.250C>T on transcript NM_001393704.1 (MANE Select); coding-DNA position 250, C replaced by T.
Protein change: p.Pro84Ser; replaces proline 84 with serine.
Molecular consequence: missense variant. On other transcripts: non-coding transcript variant (2), intron variant (1).
Genome position (GRCh38, 1-based): chr3:39,502,578, C>T. VCF-style: chr3-39502578-C-T. GRCh37 (hg19) VCF-style: chr3-39544069-C-T.
Other names: c.322C>T, p.Pro108Ser (NM_001278322.2); c.250C>T, p.Pro84Ser (NM_001278323.2, NM_006501.1, NM_182934.1); c.206+303C>T (NM_182935.4); short protein forms P108S, P84S.
Identifiers: ClinVar variation 2634486 (VCV002634486.1), dbSNP rs755066817, ClinGen allele CA2328054.

ClinVar aggregate classification (germline): Uncertain significance (1 of 4 stars; one submission).

Conditions:
MOBP-related disorder. Also called: MOBP-related condition.

Allele frequency attached by ClinVar (database versions not stated): gnomAD exomes 0.00003; gnomAD 0.00009; ExAC 0.00010; TOPMed 0.00017.
gnomAD v4.1: 65 of 1,575,918 alleles (0.0041%); highest among the groups gnomAD compares: Middle Eastern, 0.033%; no homozygotes.

Submission:

PreventionGenetics, part of Exact Sciences
Classification: Uncertain significance for MOBP-related condition. Last evaluated: 2022-12-22. Review status: criteria provided, single submitter. Criteria: ACMG Guidelines, 2015. Collection method: clinical testing. Allele origin: germline.
Comment: The MOBP c.322C>T variant is predicted to result in the amino acid substitution p.Pro108Ser. To our knowledge, this variant has not been reported in the literature. This variant is reported in 0.013% of alleles in individuals of Latino descent in gnomAD. At this time, the clinical significance of this variant is uncertain due to the absence of conclusive functional and genetic evidence.